The following is an entry in ClinVar:

ClinVar aggregate classification (germline): Uncertain significance (1 of 4 stars; one submission).

Conditions:
Cardiomyopathy, familial restrictive, 3. Identifiers: Orphanet 75249, MedGen C2676271, MONDO:0012900, OMIM 612422.
Hypertrophic cardiomyopathy 2. Also called: TNNT2-Related Familial Hypertrophic Cardiomyopathy. Identifiers: MedGen C1861864, MONDO:0007266, OMIM 115195.
Dilated cardiomyopathy 1D. Identifiers: Orphanet 154, Orphanet 54260, MedGen C1832243, MONDO:0011095, OMIM 601494.

Submission:

Labcorp Genetics (formerly Invitae), Labcorp
Classification: Uncertain significance for Cardiomyopathy, familial restrictive, 3; Hypertrophic cardiomyopathy 2; Dilated cardiomyopathy 1D. Last evaluated: 2025-01-20. Review status: criteria provided, single submitter. Criteria: Invitae Variant Classification Sherloc (09022015). Collection method: clinical testing. Allele origin: germline.
Comment: This sequence change replaces glutamic acid, which is acidic and polar, with aspartic acid, which is acidic and polar, at codon 128 of the TNNT2 protein (p.Glu128Asp). This variant is not present in population databases (gnomAD no frequency). This variant has not been reported in the literature in individuals affected with TNNT2-related conditions. An algorithm developed to predict the effect of missense changes on protein structure and function (PolyPhen-2) suggests that this variant is likely to be disruptive. Algorithms developed to predict the effect of sequence changes on RNA splicing suggest that this variant may create or strengthen a splice site. In summary, the available evidence is currently insufficient to determine the role of this variant in disease. Therefore, it has been classified as a Variant of Uncertain Significance.

NM_001276345.2(TNNT2):c.414G>T (p.Glu138Asp)

Gene: TNNT2 (troponin T2, cardiac type; minus strand). Cytogenetic location: 1q32.1.
Variant type: single nucleotide variant.
Coding change: c.414G>T on transcript NM_001276345.2 (MANE Select); coding-DNA position 414, G replaced by T.
Protein change: p.Glu138Asp; replaces glutamic acid 138 with aspartic acid.
Molecular consequence: missense variant.
Genome position (GRCh38, 1-based): chr1:201,364,373, C>A on the plus strand (G>T on the coding strand, the complement: TNNT2 is on the minus strand). VCF-style: chr1-201364373-C-A. GRCh37 (hg19) VCF-style: chr1-201333501-C-A.
Other names: c.414G>T, p.Glu138Asp (NM_000364.4, NM_001406723.1); c.384G>T, p.Glu128Asp (NM_001001430.3, NM_001001431.3, NM_001276347.2 and 3 more transcripts); c.369G>T, p.Glu123Asp (NM_001001432.3, NM_001406728.1); c.294G>T, p.Glu98Asp (NM_001276346.2); c.381G>T, p.Glu127Asp (NM_001406725.1); short protein forms E123D, E127D, E128D, E138D, E98D.
Identifiers: ClinVar variation 3750564 (VCV003750564.2).